The following is an entry in ClinVar:

NM_032043.3(BRIP1):c.2116_2117del (p.Glu706fs)

Gene: BRIP1 (BRCA1 interacting DNA helicase 1; minus strand). Cytogenetic location: 17q23.2.
Variant type: Deletion.
Coding change: c.2116_2117del on transcript NM_032043.3 (MANE Select); coding-DNA positions 2116 to 2117, 2 bases deleted (GA; older notation c.2116_2117delGA).
Protein change: p.Glu706fs; shifts the reading frame from glutamic acid 706.
Molecular consequence: frameshift variant.
Genome position (GRCh38, 1-based): chr17:61,744,572-61,744,573, TC deleted on the plus strand (GA on the coding strand, the reverse complement: BRIP1 is on the minus strand); deleting any 2 consecutive bases within chr17:61,744,572-61,744,574 gives the same sequence; the c. name uses the placement nearest the transcript's 3' end. VCF-style (leftmost placement, unchanged base first): chr17-61744571-TTC-T. GRCh37 (hg19) VCF-style: chr17-59821932-TTC-T.
Other names: short protein forms E706fs.
Identifiers: ClinVar variation 923079 (VCV000923079.5), dbSNP rs2077034404, ClinGen allele CA913188878.

ClinVar aggregate classification (germline): Pathogenic (1 of 4 stars; one submission).

Conditions:
Hereditary cancer-predisposing syndrome. Also called: Neoplastic Syndromes, Hereditary; Tumor predisposition; Hereditary Cancer Syndrome; Hereditary neoplastic syndrome. Identifiers: Orphanet 140162, MedGen C0027672, MeSH D009386, MONDO:0015356.

Submission:

Color Diagnostics, LLC DBA Color Health
Classification: Pathogenic for Hereditary cancer-predisposing syndrome. Last evaluated: 2024-08-26. Review status: criteria provided, single submitter. Criteria: ACMG Guidelines, 2015. Collection method: clinical testing. Allele origin: germline.
Comment: This variant deletes 2 nucleotides in exon 15 of the BRIP1 gene, creating a frameshift and premature translation stop signal. This variant is expected to result in an absent or non-functional protein product. To our knowledge, this variant has not been reported in individuals affected with hereditary cancer in the literature. This variant has not been identified in the general population by the Genome Aggregation Database (gnomAD). Loss of BRIP1 function is a known mechanism of disease. Based on the available evidence, this variant is classified as Pathogenic.